The following is an entry in ClinVar:

ClinVar aggregate classification (germline): Uncertain significance (1 of 4 stars; one submission).

Conditions:
Progressive familial heart block type IB (PFHB1B). Identifiers: Orphanet 871, MedGen C1970298, MONDO:0011474, OMIM 604559.

Submission:

Labcorp Genetics (formerly Invitae), Labcorp
Classification: Uncertain significance for Progressive familial heart block type IB. Last evaluated: 2024-03-17. Review status: criteria provided, single submitter. Criteria: Invitae Variant Classification Sherloc (09022015). Collection method: clinical testing. Allele origin: germline.
Comment: This sequence change replaces alanine, which is neutral and non-polar, with serine, which is neutral and polar, at codon 1016 of the TRPM4 protein (p.Ala1016Ser). This variant is not present in population databases (gnomAD no frequency). This variant has not been reported in the literature in individuals affected with TRPM4-related conditions. An algorithm developed to predict the effect of missense changes on protein structure and function (PolyPhen-2) suggests that this variant is likely to be disruptive. In summary, the available evidence is currently insufficient to determine the role of this variant in disease. Therefore, it has been classified as a Variant of Uncertain Significance.

NM_017636.4(TRPM4):c.3046G>T (p.Ala1016Ser)

Gene: TRPM4 (transient receptor potential cation channel subfamily M member 4; plus strand). Cytogenetic location: 19q13.33.
Variant type: single nucleotide variant.
Coding change: c.3046G>T on transcript NM_017636.4 (MANE Select); coding-DNA position 3046, G replaced by T.
Protein change: p.Ala1016Ser; replaces alanine 1016 with serine.
Molecular consequence: missense variant.
Genome position (GRCh38, 1-based): chr19:49,202,056, G>T. VCF-style: chr19-49202056-G-T. GRCh37 (hg19) VCF-style: chr19-49705313-G-T.
Other names: c.2524G>T, p.Ala842Ser (NM_001321283.2); c.1984G>T, p.Ala662Ser (NM_001321285.2); c.2611G>T, p.Ala871Ser (NM_001195227.2); c.2701G>T, p.Ala901Ser (NM_001321281.2); c.1438G>T, p.Ala480Ser (NM_001321282.2); short protein forms A1016S, A480S, A662S, A842S, A871S, A901S.
Identifiers: ClinVar variation 3639779 (VCV003639779.2).